The following is an entry in ClinVar:

ClinVar aggregate classification (germline): Uncertain significance. Review status: criteria provided, multiple submitters, no conflicts (2 of 4 stars). 2 submissions from 2 submitters: Uncertain significance (2). Last evaluated 2025-12-29.

Conditions:
Brugada syndrome 8 (BRGDA8). Identifiers: Orphanet 130, MedGen C2751083, MONDO:0013148, OMIM 613123.
Cardiovascular phenotype. Identifiers: MedGen CN230736.

gnomAD v4.1: 2 of 1,491,042 alleles (0.00013%); highest among the groups gnomAD compares: South Asian, 0.0014%; no homozygotes.

Submissions (2):

Labcorp Genetics (formerly Invitae), Labcorp
Classification: Uncertain significance for Brugada syndrome 8. Last evaluated: 2025-12-29. Review status: criteria provided, single submitter. Criteria: Invitae Variant Classification Sherloc (09022015). Collection method: clinical testing. Allele origin: germline.
Comment: This sequence change replaces arginine, which is basic and polar, with glutamine, which is neutral and polar, at codon 1022 of the HCN4 protein (p.Arg1022Gln). The frequency data for this variant in the population databases is considered unreliable, as metrics indicate poor data quality at this position in the gnomAD database. This missense change has been observed in individual(s) with Brugada syndrome (PMID: 30847666). ClinVar contains an entry for this variant (Variation ID: 848242). Invitae Evidence Modeling of protein sequence and biophysical properties (such as structural, functional, and spatial information, amino acid conservation, physicochemical variation, residue mobility, and thermodynamic stability) indicates that this missense variant is not expected to disrupt HCN4 protein function with a negative predictive value of 95%. In summary, the available evidence is currently insufficient to determine the role of this variant in disease. Therefore, it has been classified as a Variant of Uncertain Significance.

Ambry Genetics
Classification: Uncertain significance for Cardiovascular phenotype. Last evaluated: 2023-01-04. Review status: criteria provided, single submitter. Criteria: Ambry Variant Classification Scheme 2023. Collection method: clinical testing. Allele origin: germline.
Comment: The p.R1022Q variant (also known as c.3065G>A), located in coding exon 8 of the HCN4 gene, results from a G to A substitution at nucleotide position 3065. The arginine at codon 1022 is replaced by glutamine, an amino acid with highly similar properties. This variant was detected in an arrhythmia genetic testing cohort; however, clinical details were limited, and additional cardiac variants were detected in some cases (van Lint FHM et al. Neth Heart J, 2019 Jun;27:304-309). This amino acid position is not well conserved in available vertebrate species. In addition, the in silico prediction for this alteration is inconclusive. Since supporting evidence is limited at this time, the clinical significance of this alteration remains unclear.

Literature cited by the submitters: PubMed 30847666 (cited by Labcorp Genetics (formerly Invitae), Labcorp and Ambry Genetics).

NM_005477.3(HCN4):c.3065G>A (p.Arg1022Gln)

Gene: HCN4 (hyperpolarization activated cyclic nucleotide gated potassium channel 4; minus strand). Cytogenetic location: 15q24.1.
Variant type: single nucleotide variant.
Coding change: c.3065G>A on transcript NM_005477.3 (MANE Select); coding-DNA position 3065, G replaced by A.
Protein change: p.Arg1022Gln; replaces arginine 1022 with glutamine.
Molecular consequence: missense variant.
Genome position (GRCh38, 1-based): chr15:73,323,028, C>T on the plus strand (G>A on the coding strand, the complement: HCN4 is on the minus strand). VCF-style: chr15-73323028-C-T. GRCh37 (hg19) VCF-style: chr15-73615369-C-T.
Other names: short protein forms R1022Q.
Identifiers: ClinVar variation 848242 (VCV000848242.8), dbSNP rs1205818947, ClinGen allele CA393086283.